The following is an entry in ClinVar:

NM_019108.4(SMG9):c.588+5C>T

Gene: SMG9 (SMG9 nonsense mediated mRNA decay factor; minus strand). Cytogenetic location: 19q13.31.
Variant type: single nucleotide variant.
Coding change: c.588+5C>T on transcript NM_019108.4 (MANE Select); 5 bases into the intron after coding-DNA position 588, C replaced by T.
Molecular consequence: intron variant.
Genome position (GRCh38, 1-based): chr19:43,747,437, G>A on the plus strand (C>T on the coding strand, the complement: SMG9 is on the minus strand). VCF-style: chr19-43747437-G-A. GRCh37 (hg19) VCF-style: chr19-44251589-G-A.
Identifiers: ClinVar variation 769016 (VCV000769016.6), dbSNP rs346537, ClinGen allele CA9491476.

ClinVar aggregate classification (germline): Benign. Review status: criteria provided, multiple submitters, no conflicts (2 of 4 stars). 3 submissions from 3 submitters: Benign (3). Last evaluated 2026-03-17.

Conditions:
SMG9-related disorder. Also called: SMG9-related condition.

Allele frequency attached by ClinVar (database versions not stated): gnomAD 0.01589 and 0.01717; 1000 Genomes Project 0.01677; TOPMed 0.01809; 1000 Genomes Project 30x 0.01858; ESP Exome Variant Server 0.01876.
gnomAD v4.1: 4,728 of 1,612,374 alleles (0.29%); highest among the groups gnomAD compares: African/African-American, 5.6%; 122 homozygotes.

Submissions (3):

PreventionGenetics, part of Exact Sciences
Classification: Benign for SMG9-related condition. Last evaluated: 2026-03-17. Review status: criteria provided, single submitter. Criteria: ACMG Guidelines, 2015. Collection method: clinical testing. Allele origin: germline.
Comment: This variant is classified as benign based on ACMG/AMP sequence variant interpretation guidelines (Richards et al. 2015 PMID: 25741868, with internal and published modifications).

Labcorp Genetics (formerly Invitae), Labcorp
Classification: Benign. Last evaluated: 2019-12-31. Review status: criteria provided, single submitter. Criteria: Invitae Variant Classification Sherloc (09022015). Collection method: clinical testing. Allele origin: germline.

Breakthrough Genomics
Classification: Benign. Review status: criteria provided, single submitter. Criteria: ACMG Guidelines, 2015. Collection method: not provided. Allele origin: germline. Inheritance: Autosomal recessive inheritance. Affected: yes.